The following is an entry in ClinVar:

ClinVar aggregate classification (germline): Likely benign (1 of 4 stars; one submission).

Conditions:
CC2D2A-related disorder. Also called: CC2D2A-related condition; CC2D2A-related disorders. Identifiers: MedGen CN239313.

gnomAD v4.1: 9 of 1,533,832 alleles (0.00059%); highest among the groups gnomAD compares: Non-Finnish European, 0.0007%; no homozygotes.

Submission:

PreventionGenetics, part of Exact Sciences
Classification: Likely benign for CC2D2A-related condition. Last evaluated: 2025-11-04. Review status: criteria provided, single submitter. Criteria: ACMG Guidelines, 2015. Collection method: clinical testing. Allele origin: germline.
Comment: This variant is classified as likely benign based on ACMG/AMP sequence variant interpretation guidelines (Richards et al. 2015 PMID: 25741868, with internal and published modifications).

NM_001378615.1(CC2D2A):c.4314T>C (p.Asn1438=)

Genes: CC2D2A (coiled-coil and C2 domain containing 2A; plus strand), FBXL5 (F-box and leucine rich repeat protein 5; minus strand). Cytogenetic location: 4p15.32.
Variant type: single nucleotide variant.
Coding change: c.4314T>C on transcript NM_001378615.1 (MANE Select); coding-DNA position 4314, T replaced by C.
Protein change: p.Asn1438=; no amino-acid change (asparagine 1438 retained).
Molecular consequence: synonymous variant.
Genome position (GRCh38, 1-based): chr4:15,589,679, T>C. VCF-style: chr4-15589679-T-C. GRCh37 (hg19) VCF-style: chr4-15591302-T-C.
Other names: c.4314T>C, p.Asn1438= (NM_001080522.2); c.4167T>C, p.Asn1389= (NM_001378617.1).
Identifiers: ClinVar variation 4983927 (VCV004983927.1).
Genomic context (GRCh38, chr4:15,589,679, plus strand): 5'-TGGACAATTTGATACATTCTGTCCCTTGAAAAATGTGGGCTGTTTAATAGGTCCTGACAA[T>C]GTAAGTATTAACATTTCTTCTTAAATATGGTTAGCTGTCGTTTCTTTTAAATAACTGACC-3'
Protein context (NP_001365544.1, residues 1428-1448): KNVGCLIGPD[Asn1438=]IWFNIQRYES